The following is an entry in ClinVar:

ClinVar aggregate classification (germline): Uncertain significance. Review status: criteria provided, multiple submitters, no conflicts (2 of 4 stars). 2 submissions from 2 submitters: Uncertain significance (2). Last evaluated 2025-11-26.

Allele frequency attached by ClinVar (database versions not stated): gnomAD 0.00001; gnomAD exomes 0.00003; ExAC 0.00005.

Submissions (2):

Ambry Genetics
Classification: Uncertain significance. Last evaluated: 2025-11-26. Review status: criteria provided, single submitter. Criteria: Ambry Variant Classification Scheme 2023. Collection method: clinical testing. Allele origin: germline.

Labcorp Genetics (formerly Invitae), Labcorp
Classification: Uncertain significance. Last evaluated: 2022-09-15. Review status: criteria provided, single submitter. Criteria: Invitae Variant Classification Sherloc (09022015). Collection method: clinical testing. Allele origin: germline.
Comment: In summary, the available evidence is currently insufficient to determine the role of this variant in disease. Therefore, it has been classified as a Variant of Uncertain Significance. Advanced modeling of protein sequence and biophysical properties (such as structural, functional, and spatial information, amino acid conservation, physicochemical variation, residue mobility, and thermodynamic stability) performed at Invitae indicates that this missense variant is not expected to disrupt RNF113A protein function. This sequence change replaces threonine, which is neutral and polar, with isoleucine, which is neutral and non-polar, at codon 52 of the RNF113A protein (p.Thr52Ile). This variant is present in population databases (rs752917059, gnomAD 0.05%). This variant has not been reported in the literature in individuals affected with RNF113A-related conditions.

NM_006978.3(RNF113A):c.155C>T (p.Thr52Ile)

Genes: RNF113A (ring finger protein 113A; minus strand), LOC130068621 (ATAC-STARR-seq lymphoblastoid active region 29902; plus strand). Cytogenetic location: Xq24.
Variant type: single nucleotide variant.
Coding change: c.155C>T on transcript NM_006978.3 (MANE Select); coding-DNA position 155, C replaced by T.
Protein change: p.Thr52Ile; replaces threonine 52 with isoleucine.
Molecular consequence: missense variant.
Genome position (GRCh38, 1-based): chrX:119,871,459, G>A on the plus strand (C>T on the coding strand, the complement: RNF113A is on the minus strand). VCF-style: chrX-119871459-G-A. GRCh37 (hg19) VCF-style: chrX-119005422-G-A.
Other names: c.155C>T (NM_006978.2); short protein forms T52I.
Identifiers: ClinVar variation 1967853 (VCV001967853.6), dbSNP rs752917059, ClinGen allele CA10503493.
Genomic context (GRCh38, chrX:119,871,459, plus strand): 5'-TCACGGGTCTTCTGTATCATTGGATTGTGGGTCACCCGCTTCTTTTCCGGTCGAACCACA[G>A]TGCAGCCTTCGTCGCTACTGCTGCCGCTTTCTCCGGGCTCTGGGTCGCAGGCCGGGCGCT-3'
Protein context (NP_008909.1, residues 42-62): ESGSSSDEGC[Thr52Ile]VVRPEKKRVT